The following is an entry in ClinVar:

ClinVar aggregate classification (germline): Conflicting classifications of pathogenicity. Review status: criteria provided, conflicting classifications (1 of 4 stars). 3 submissions from 3 submitters: Uncertain significance (2); Benign (1). Last evaluated 2025-10-09.

Conditions:
Hereditary cancer-predisposing syndrome. Also called: Hereditary neoplastic syndrome; Neoplastic Syndromes, Hereditary; Tumor predisposition; Hereditary Cancer Syndrome. Identifiers: Orphanet 140162, MedGen C0027672, MeSH D009386, MONDO:0015356.
Tuberous sclerosis 1 (TSC1). Identifiers: Orphanet 805, MedGen C1854465, MONDO:0008612, OMIM 191100.

Allele frequency attached by ClinVar (database versions not stated): gnomAD exomes below 0.00001; TOPMed 0.00001.

Submissions (3):

Labcorp Genetics (formerly Invitae), Labcorp
Classification: Benign for Tuberous sclerosis 1. Last evaluated: 2025-10-09. Review status: criteria provided, single submitter. Criteria: Invitae Variant Classification Sherloc (09022015). Collection method: clinical testing. Allele origin: germline.

Ambry Genetics
Classification: Uncertain significance for Hereditary cancer-predisposing syndrome. Last evaluated: 2025-07-28. Review status: criteria provided, single submitter. Criteria: Ambry Variant Classification Scheme 2023. Collection method: clinical testing. Allele origin: germline.
Comment: The p.P1023L variant (also known as c.3068C>T), located in coding exon 21 of the TSC1 gene, results from a C to T substitution at nucleotide position 3068. The proline at codon 1023 is replaced by leucine, an amino acid with similar properties. This amino acid position is not well conserved in available vertebrate species. In addition, this alteration is predicted to be tolerated by in silico analysis. Since supporting evidence is limited at this time, the clinical significance of this alteration remains unclear.

St. Jude Molecular Pathology, St. Jude Children's Research Hospital
Classification: Uncertain significance for Tuberous sclerosis 1. Last evaluated: 2025-02-05. Review status: criteria provided, single submitter. Criteria: St. Jude Assertion Criteria 2020. Collection method: clinical testing. Allele origin: germline.
Comment: The TSC1 c.3068C>T (p.Pro1023Leu) missense change is absent in gnomAD v2.1.1. The in silico tool REVEL predicts a benign effect on protein function, but this prediction has not been confirmed by functional studies. This variant has not been reported in individuals with tuberous sclerosis complex. In summary, the evidence currently available is insufficient to determine the clinical significance of this variant. It has therefore been classified as of uncertain significance.

NM_000368.5(TSC1):c.3068C>T (p.Pro1023Leu)

Gene: TSC1 (TSC complex subunit 1; minus strand). Cytogenetic location: 9q34.13.
Variant type: single nucleotide variant.
Coding change: c.3068C>T on transcript NM_000368.5 (MANE Select); coding-DNA position 3068, C replaced by T.
Protein change: p.Pro1023Leu; replaces proline 1023 with leucine.
Molecular consequence: missense variant.
Genome position (GRCh38, 1-based): chr9:132,896,662, G>A on the plus strand (C>T on the coding strand, the complement: TSC1 is on the minus strand). VCF-style: chr9-132896662-G-A. GRCh37 (hg19) VCF-style: chr9-135772049-G-A.
Other names: c.3065C>T, p.Pro1022Leu (NM_001162426.2); c.2915C>T, p.Pro972Leu (NM_001162427.2); c.2705C>T, p.Pro902Leu (NM_001362177.2); short protein forms P1023L, P972L, P1022L, P902L.
Identifiers: ClinVar variation 466116 (VCV000466116.15), dbSNP rs1554812917, ClinGen allele CA375367614.